The following is an entry in ClinVar:

NM_001130438.3(SPTAN1):c.4648T>C (p.Ser1550Pro)

Gene: SPTAN1 (spectrin alpha, non-erythrocytic 1; plus strand). Cytogenetic location: 9q34.11.
Variant type: single nucleotide variant.
Coding change: c.4648T>C on transcript NM_001130438.3 (MANE Select); coding-DNA position 4648, T replaced by C.
Protein change: p.Ser1550Pro; replaces serine 1550 with proline.
Molecular consequence: missense variant.
Genome position (GRCh38, 1-based): chr9:128,609,174, T>C. VCF-style: chr9-128609174-T-C. GRCh37 (hg19) VCF-style: chr9-131371453-T-C.
Other names: c.4588T>C, p.Ser1530Pro (NM_001195532.2, NM_001363765.2, NM_001375314.2); c.4648T>C, p.Ser1550Pro (NM_001363759.2, NM_001375310.1, NM_001375311.2 and 2 more transcripts); c.4684T>C, p.Ser1562Pro (NM_001375312.2, NM_001375318.1); short protein forms S1530P, S1550P, S1562P.
Identifiers: ClinVar variation 1704665 (VCV001704665.2), dbSNP rs2541781217, ClinGen allele CA375068827.

ClinVar aggregate classification (germline): Uncertain significance (1 of 4 stars; one submission).

Submission:

GeneDx
Classification: Uncertain significance. Last evaluated: 2022-03-08. Review status: criteria provided, single submitter. Criteria: GeneDx Variant Classification Process June 2021. Collection method: clinical testing. Allele origin: germline. Affected: yes.
Comment: Not observed at significant frequency in large population cohorts (gnomAD); In silico analysis supports that this missense variant has a deleterious effect on protein structure/function; Has not been previously published as pathogenic or benign to our knowledge